The following is an entry in ClinVar:

ClinVar aggregate classification (germline): Uncertain significance. Review status: criteria provided, multiple submitters, no conflicts (2 of 4 stars). 2 submissions from 2 submitters: Uncertain significance (2). Last evaluated 2023-10-01.

Conditions:
Retinal dystrophy. Also called: Inherited retinal dystrophy. Identifiers: Orphanet 71862, MedGen C0854723, MeSH D058499, MONDO:0019118, HP:0000556.

Allele frequency attached by ClinVar (database versions not stated): ExAC 0.00003; gnomAD 0.00002; TOPMed 0.00002.
gnomAD v4.1: 23 of 1,613,008 alleles (0.0014%); highest among the groups gnomAD compares: East Asian, 0.025%; no homozygotes.

Submissions (2):

Dept Of Ophthalmology, Nagoya University
Classification: Uncertain significance for Retinal dystrophy. Last evaluated: 2023-10-01. Review status: criteria provided, single submitter. Criteria: Submitter's publication. Collection method: research. Allele origin: germline. Affected: yes.

Labcorp Genetics (formerly Invitae), Labcorp
Classification: Uncertain significance. Last evaluated: 2022-03-24. Review status: criteria provided, single submitter. Criteria: Invitae Variant Classification Sherloc (09022015). Collection method: clinical testing. Allele origin: germline.
Comment: This variant is present in population databases (rs781791441, gnomAD 0.01%). This sequence change replaces arginine, which is basic and polar, with cysteine, which is neutral and slightly polar, at codon 346 of the RBP3 protein (p.Arg346Cys). This variant has not been reported in the literature in individuals affected with RBP3-related conditions. In summary, the available evidence is currently insufficient to determine the role of this variant in disease. Therefore, it has been classified as a Variant of Uncertain Significance. Algorithms developed to predict the effect of missense changes on protein structure and function are either unavailable or do not agree on the potential impact of this missense change (SIFT: "Deleterious"; PolyPhen-2: "Probably Damaging"; Align-GVGD: "Class C0").

NM_002900.3(RBP3):c.1036C>T (p.Arg346Cys)

Gene: RBP3 (retinol binding protein 3; plus strand). Cytogenetic location: 10q11.22.
Variant type: single nucleotide variant.
Coding change: c.1036C>T on transcript NM_002900.3 (MANE Select); coding-DNA position 1036, C replaced by T.
Protein change: p.Arg346Cys; replaces arginine 346 with cysteine.
Molecular consequence: missense variant.
Genome position (GRCh38, 1-based): chr10:47,349,520, C>T. VCF-style: chr10-47349520-C-T. GRCh37 (hg19) VCF-style: chr10-48389842-G-A.
Other names: short protein forms R346C.
Identifiers: ClinVar variation 2043454 (VCV002043454.5), dbSNP rs781791441, ClinGen allele CA5487625.